The following is an entry in ClinVar:

ClinVar aggregate classification (germline): Uncertain significance. Review status: criteria provided, multiple submitters, no conflicts (2 of 4 stars). 2 submissions from 2 submitters: Uncertain significance (2). Last evaluated 2024-06-26.

Conditions:
Inborn genetic diseases. Identifiers: MedGen C0950123, MeSH D030342.
LAMA2-related muscular dystrophy (LAMA2-RD). Also called: Laminin alpha 2-related dystrophy. Identifiers: MedGen C5679788, MONDO:0100228.

Allele frequency attached by ClinVar (database versions not stated): ExAC 0.00001; gnomAD exomes 0.00001 and 0.00002; gnomAD 0.00005; TOPMed 0.00005.
gnomAD v4.1: 27 of 1,613,762 alleles (0.0017%); highest among the groups gnomAD compares: African/African-American, 0.008%; no homozygotes.

Submissions (2):

Ambry Genetics
Classification: Uncertain significance for Inborn genetic diseases. Last evaluated: 2024-06-26. Review status: criteria provided, single submitter. Criteria: Ambry Variant Classification Scheme 2023. Collection method: clinical testing. Allele origin: germline.

Labcorp Genetics (formerly Invitae), Labcorp
Classification: Uncertain significance for LAMA2-related muscular dystrophy. Last evaluated: 2021-08-24. Review status: criteria provided, single submitter. Criteria: Invitae Variant Classification Sherloc (09022015). Collection method: clinical testing. Allele origin: germline.
Comment: This sequence change replaces arginine with cysteine at codon 998 of the LAMA2 protein (p.Arg998Cys). The arginine residue is moderately conserved and there is a large physicochemical difference between arginine and cysteine. This variant is present in population databases (rs778069038, ExAC 0.006%). This variant has not been reported in the literature in individuals affected with LAMA2-related conditions. Algorithms developed to predict the effect of missense changes on protein structure and function are either unavailable or do not agree on the potential impact of this missense change (SIFT: "Deleterious"; PolyPhen-2: "Probably Damaging"; Align-GVGD: "Class C0"). In summary, the available evidence is currently insufficient to determine the role of this variant in disease. Therefore, it has been classified as a Variant of Uncertain Significance.

NM_000426.4(LAMA2):c.2992C>T (p.Arg998Cys)

Gene: LAMA2 (laminin subunit alpha 2; plus strand). Cytogenetic location: 6q22.33.
Variant type: single nucleotide variant.
Coding change: c.2992C>T on transcript NM_000426.4 (MANE Select); coding-DNA position 2992, C replaced by T.
Protein change: p.Arg998Cys; replaces arginine 998 with cysteine.
Molecular consequence: missense variant.
Genome position (GRCh38, 1-based): chr6:129,297,820, C>T. VCF-style: chr6-129297820-C-T. GRCh37 (hg19) VCF-style: chr6-129618965-C-T.
Other names: c.2992C>T, p.Arg998Cys (NM_001079823.2); short protein forms R998C.
Identifiers: ClinVar variation 663008 (VCV000663008.4), dbSNP rs778069038, ClinGen allele CA3993119.